The following is an entry in ClinVar:

NM_001692.4(ATP6V1B1):c.570dup (p.Leu191fs)

Gene: ATP6V1B1 (ATPase H+ transporting V1 subunit B1; plus strand). Cytogenetic location: 2p13.3.
Variant type: Duplication.
Coding change: c.570dup on transcript NM_001692.4 (MANE Select); coding-DNA position 570, one base duplicated (G; older notation c.570dupG).
Protein change: p.Leu191fs; shifts the reading frame from leucine 191.
Molecular consequence: frameshift variant.
Genome position (GRCh38, 1-based): chr2:70,960,063, G duplicated; the last of 3 consecutive G bases (chr2:70,960,061-70,960,063); duplicating any one gives the same sequence. VCF-style (leftmost placement, unchanged base first): chr2-70960060-C-CG. GRCh37 (hg19) VCF-style: chr2-71187190-C-CG.
Other names: short protein forms L191fs.
Identifiers: ClinVar variation 5010821 (VCV005010821.1).

ClinVar aggregate classification (germline): Pathogenic (1 of 4 stars; one submission).

Conditions:
Renal tubular acidosis with progressive nerve deafness. Also called: RENAL TUBULAR ACIDOSIS, AUTOSOMAL RECESSIVE, WITH PROGRESSIVE NERVE DEAFNESS; RTA WITH PROGRESSIVE NERVE DEAFNESS; Distal Renal Tubular Acidosis with Progressive Sensorineural Deafness; renal tubular acidosis, distal, 2, with progressive sensorineural hearing loss. Identifiers: MedGen C0403554, MONDO:0009968, OMIM 267300.

Submission:

Myriad Genetics, Inc.
Classification: Pathogenic for Renal tubular acidosis with progressive nerve deafness. Last evaluated: 2024-05-14. Review status: criteria provided, single submitter. Criteria: Myriad Autosomal Dominant, Autosomal Recessive and X-Linked Classification Criteria (2023). Collection method: clinical testing. Allele origin: unknown.
Comment: NM_001692.3(ATP6V1B1):c.570dupG(L191Afs*5) is expected to be pathogenic in the context of distal renal tubular acidosis with deafness, ATP6V1B1-related. This variant is predicted to lead to an abnormal or absent protein product due to the creation of a premature termination codon in ATP6V1B1, a gene where loss-of-function variants are known to be pathogenic. Please note: this variant was assessed in the context of healthy population screening.